The following continues an entry in ClinVar:

NM_024301.5(FKRP):c.898G>A (p.Val300Met)

Gene: FKRP. ClinVar aggregate classification (germline): Conflicting classifications of pathogenicity. Pathogenic (4); Likely pathogenic (11); Uncertain significance (5).

Submissions 8 to 22 of 22:

Ambry Genetics
Classification: Pathogenic for Cardiovascular phenotype. Last evaluated: 2025-04-14. Review status: criteria provided, single submitter. Criteria: Ambry Variant Classification Scheme 2023. Collection method: clinical testing. Allele origin: germline.
Comment: The p.V300M variant (also known as c.898G>A), located in coding exon 1 of the FKRP gene, results from a G to A substitution at nucleotide position 898. The valine at codon 300 is replaced by methionine, an amino acid with highly similar properties. This variant has been detected in the homozygous and compound heterozygous states (in trans) with pathogenic variants in individuals reported to have limb-girdle muscular dystrophy (LGMD) or clinical suspicion of LGMD (de Paula F et al. Eur. J. Hum. Genet., 2003 Dec;11:923-30; Frosk P et al. Hum. Mutat., 2005 Jan;25:38-44; Nallamilli BRR et al. Ann Clin Transl Neurol, 2018 Dec;5:1574-1587; Lorenzoni PJ et al. Arq Neuropsiquiatr., 2023 Oct;81:922-933; external communication). This alteration has also been detected in the heterozygous state in individuals with suspicion of LGMD, and in the homozygous state in a pediatric case with microcephaly and lissencephaly (Trujillano D et al. Eur. J. Hum. Genet., 2017 02;25:176-182; Nallamilli BRR et al. Ann Clin Transl Neurol, 2018 Dec;5:1574-1587). This amino acid position is highly conserved in available vertebrate species. In addition, this alteration is predicted to be deleterious by in silico analysis. Based on the supporting evidence, this variant is interpreted as a disease-causing mutation.

Blueprint Genetics
Classification: Likely pathogenic for FKRP-related disorders. Last evaluated: 2024-08-23. Review status: criteria provided, single submitter. Criteria: ACMG Guidelines, 2015. Collection method: clinical testing. Allele origin: germline. Affected: yes. Observed: 5 variant alleles.

Fulgent Genetics
Classification: Likely pathogenic for Muscular dystrophy-dystroglycanopathy type B5; Autosomal recessive limb-girdle muscular dystrophy type 2I; Muscular dystrophy-dystroglycanopathy (congenital with brain and eye anomalies), type A5. Last evaluated: 2024-04-03. Review status: criteria provided, single submitter. Criteria: ACMG Guidelines, 2015. Collection method: clinical testing. Allele origin: germline.

Baylor Genetics
Classification: Pathogenic for Muscular dystrophy-dystroglycanopathy (congenital with brain and eye anomalies), type A5. Last evaluated: 2024-03-29. Review status: criteria provided, single submitter. Criteria: ACMG Guidelines, 2015. Collection method: clinical testing. Allele origin: unknown.

3billion
Classification: Likely pathogenic for Muscular dystrophy-dystroglycanopathy type B5. Last evaluated: 2023-11-26. Review status: criteria provided, single submitter. Criteria: ACMG Guidelines, 2015. Collection method: clinical testing. Allele origin: germline. Affected: yes.
Comment: The variant is observed at an extremely low frequency in the gnomAD v2.1.1 dataset (total allele frequency: 0.005%). Predicted Consequence/Location: Missense variant In silico tool predictions suggest damaging effect of the variant on gene or gene product [REVEL: 0.80 (>=0.6, sensitivity 0.68 and specificity 0.92); 3Cnet: 0.94 (>=0.6, sensitivity 0.72 and precision 0.9)]. Same nucleotide change resulting in same amino acid change has been previously reported as pathogenic/likely pathogenic with strong evidence (ClinVar ID: VCV000241460 /PMID: 14647208 /3billion dataset). A different missense change at the same codon (p.Val300Ala) has been reported as pathogenic/likely pathogenic with strong evidence (ClinVar ID: VCV000004232 /PMID: 14647208). Therefore, this variant is classified as Likely pathogenic according to the recommendation of ACMG/AMP guideline.

CeGaT Center for Human Genetics Tuebingen
Classification: Likely pathogenic. Last evaluated: 2022-03-01. Review status: criteria provided, single submitter. Criteria: CeGaT Center For Human Genetics Tuebingen Variant Classification Criteria Version 2. Collection method: clinical testing. Allele origin: germline. Affected: yes. Observed: 1 variant allele.
Comment: FKRP: PM2, PM3, PM5, PP3

MGZ Medical Genetics Center
Classification: Likely pathogenic for Autosomal recessive limb-girdle muscular dystrophy type 2I. Last evaluated: 2022-02-28. Review status: criteria provided, single submitter. Criteria: ACMG Guidelines, 2015. Collection method: clinical testing. Allele origin: germline. Affected: yes. Observed: 1 variant allele.
Comment: ACMG criteria applied: PM3, PM5, PM2_SUP, PP3

Mayo Clinic Laboratories, Mayo Clinic
Classification: Likely pathogenic. Last evaluated: 2021-12-01. Review status: criteria provided, single submitter. Criteria: ACMG Guidelines, 2015. Collection method: clinical testing. Allele origin: germline.
Comment: PP3, PM2, PM3, PM5, PS4_supporting

Fulgent Genetics
Classification: Uncertain significance for Muscular dystrophy-dystroglycanopathy (congenital with brain and eye anomalies), type A1; Muscular dystrophy-dystroglycanopathy type B5; Autosomal recessive limb-girdle muscular dystrophy type 2I; Muscular dystrophy-dystroglycanopathy (congenital with brain and eye anomalies), type A5. Last evaluated: 2018-10-31. Review status: criteria provided, single submitter. Criteria: ACMG Guidelines, 2015. Collection method: clinical testing. Allele origin: unknown.

Eurofins Ntd Llc (ga)
Classification: Uncertain significance. Last evaluated: 2018-03-09. Review status: criteria provided, single submitter. Criteria: EGL ClinVar v180209 classification definitions. Collection method: clinical testing. Allele origin: germline. Observed: 4 variant alleles, 2 heterozygotes, 2 homozygotes.

ARUP Laboratories, Molecular Genetics and Genomics, ARUP Laboratories
Classification: Uncertain significance. Last evaluated: 2017-12-26. Review status: criteria provided, single submitter. Criteria: ARUP Molecular Germline Variant Investigation Process. Collection method: clinical testing. Allele origin: germline.
Comment: The FKRP p.Val300Met variant (rs563033008) has been reported in the compound heterozygous state with a known pathogenic FKRP variant in two individuals who were diagnosed with limb girdle muscular dystrophy; however, inheritance information was not provided for these individuals (de Paula 2003, Frosk 2005, and Yamamoto 2008). The p.Val300Met variant is listed in the Genome Aggregation Database (gnomAD) browser with an overall allele frequency of 0.016% (identified in 5 out of 30,820 chromosomes), and is classified as a variant of uncertain significance in ClinVar (Variant ID: 241460). The valine at codon 300 is highly conserved considering 11 species up to fruit fly (Alamut software v2.10.0), and computational analyses predict that this variant does affect the structure/function of the FKRP protein (SIFT: damaging, PolyPhen2: possibly damaging, MutationTaster: disease causing). However, the available evidence is not sufficient to classify the p.Val300Met variant with certainty.

Genetic Services Laboratory, University of Chicago
Classification: Uncertain significance. Last evaluated: 2015-11-16. Review status: criteria provided, single submitter. Criteria: ACMG Guidelines, 2015. Collection method: clinical testing. Allele origin: germline. Affected: no.

Center for Genomics, Ann and Robert H. Lurie Children's Hospital of Chicago
Classification: Uncertain significance for Muscular dystrophy-dystroglycanopathy type B5; Autosomal recessive limb-girdle muscular dystrophy type 2I; Muscular dystrophy-dystroglycanopathy (congenital with brain and eye anomalies), type A5. Review status: criteria provided, single submitter. Criteria: ACMG Guidelines, 2015. Collection method: clinical testing. Allele origin: germline.
Comment: FKRP NM_ 024301.4 exon 4 p.Val300Met (c.898G>A): This variant has been reported in the literature in a compound heterozygous state in one individual with LGMD and in a homozygous state in one individual presenting with developmental delays, microcephaly, and lissencephaly (de Paula 2003 PMID:14677208, Trujillano 2017 PMID:27848944). This variant is present in 0.01% (5/30820) of total alleles in the Genome Aggregation Database. Please note, disease causing variants may be present in control databases at low frequencies, reflective of the general population, carrier status with recessive disorders, and/or variable expressivity. This variant is present in ClinVar (Variation ID:241460). Evolutionary conservation and computational predictive tools suggest that this variant may impact the protein. In summary, data on this variant is insufficient for disease classification. Therefore, the clinical significance of this variant is uncertain.

Inheritance Genetic Center
Classification: Pathogenic for Autosomal recessive limb-girdle muscular dystrophy type 2I. Last evaluated: 2024-07-09. Review status: no assertion criteria provided. Collection method: clinical testing. Allele origin: germline. Inheritance: Autosomal recessive inheritance. Affected: yes. Observed: 1 heterozygote. Not counted in ClinVar's aggregate classification.

Counsyl
Classification: Uncertain significance for Autosomal recessive limb-girdle muscular dystrophy type 2I. Last evaluated: 2018-01-22. Review status: no assertion criteria provided. Collection method: clinical testing. Allele origin: unknown. Not counted in ClinVar's aggregate classification.

Literature cited by the submitters: PubMed 14647208 (cited by 7 submitters); PubMed 27848944 (cited by 5 submitters); PubMed 15060126 (cited by Labcorp Genetics (formerly Invitae), Labcorp and Mayo Clinic Laboratories, Mayo Clinic); PubMed 24447024 (cited by Labcorp Genetics (formerly Invitae), Labcorp and Mayo Clinic Laboratories, Mayo Clinic); PubMed 25802880 (cited by Women's Health and Genetics/Laboratory Corporation of America, LabCorp and Mayo Clinic Laboratories, Mayo Clinic); PubMed 30564623 (cited by 3 submitters); PubMed 15580560 (cited by 3 submitters); PubMed 18645206 (cited by 3 submitters); PubMed 32746448 (cited by 3 submitters); PubMed 37852290 (cited by Ambry Genetics).